The following is an entry in ClinVar:

NM_000088.4(COL1A1):c.1007C>G (p.Pro336Arg)

Gene: COL1A1 (collagen type I alpha 1 chain; minus strand). Cytogenetic location: 17q21.33.
Variant type: single nucleotide variant.
Coding change: c.1007C>G on transcript NM_000088.4 (MANE Select); coding-DNA position 1007, C replaced by G.
Protein change: p.Pro336Arg; replaces proline 336 with arginine.
Molecular consequence: missense variant.
Genome position (GRCh38, 1-based): chr17:50,195,972, G>C on the plus strand (C>G on the coding strand, the complement: COL1A1 is on the minus strand). VCF-style: chr17-50195972-G-C. GRCh37 (hg19) VCF-style: chr17-48273333-G-C.
Other names: short protein forms P336R.
Identifiers: ClinVar variation 3369089 (VCV003369089.1).

ClinVar aggregate classification (germline): Uncertain significance (1 of 4 stars; one submission).

Submission:

GeneDx
Classification: Uncertain significance. Last evaluated: 2024-02-14. Review status: criteria provided, single submitter. Criteria: GeneDx Variant Classification Process June 2021. Collection method: clinical testing. Allele origin: germline. Affected: yes.
Comment: Not observed at significant frequency in large population cohorts (gnomAD); In silico analysis supports that this missense variant has a deleterious effect on protein structure/function; Occurs in the triple helical domain at the Y position in the canonical Gly-X-Y repeat; although this variant may have an effect on normal protein folding and function, missense substitution at the Y position is not a common mechanism of disease (HGMD); Has not been previously published as pathogenic or benign to our knowledge